The following is an entry in ClinVar:

ClinVar aggregate classification (germline): Likely pathogenic (1 of 4 stars; one submission).

Submission:

Labcorp Genetics (formerly Invitae), Labcorp
Classification: Likely pathogenic. Last evaluated: 2022-12-15. Review status: criteria provided, single submitter. Criteria: Invitae Variant Classification Sherloc (09022015). Collection method: clinical testing. Allele origin: germline.
Comment: This sequence change replaces phenylalanine, which is neutral and non-polar, with leucine, which is neutral and non-polar, at codon 1800 of the MYO7A protein (p.Phe1800Leu). This variant is not present in population databases (gnomAD no frequency). In summary, the currently available evidence indicates that the variant is pathogenic, but additional data are needed to prove that conclusively. Therefore, this variant has been classified as Likely Pathogenic. Advanced modeling of protein sequence and biophysical properties (such as structural, functional, and spatial information, amino acid conservation, physicochemical variation, residue mobility, and thermodynamic stability) performed at Invitae indicates that this missense variant is expected to disrupt MYO7A protein function. This missense change has been observed in individual(s) with autosomal recessive MYO7A-related conditions (Invitae). In at least one individual the data is consistent with being in trans (on the opposite chromosome) from a pathogenic variant. ClinVar contains an entry for this variant (Variation ID: 1721344).

NM_000260.4(MYO7A):c.5398T>C (p.Phe1800Leu)

Gene: MYO7A (myosin VIIA; plus strand). Cytogenetic location: 11q13.5.
Variant type: single nucleotide variant.
Coding change: c.5398T>C on transcript NM_000260.4 (MANE Select); coding-DNA position 5398, T replaced by C.
Protein change: p.Phe1800Leu; replaces phenylalanine 1800 with leucine.
Molecular consequence: missense variant.
Genome position (GRCh38, 1-based): chr11:77,204,147, T>C. VCF-style: chr11-77204147-T-C. GRCh37 (hg19) VCF-style: chr11-76915192-T-C.
Other names: c.5284T>C, p.Phe1762Leu (NM_001127180.2); c.5251T>C, p.Phe1751Leu (NM_001369365.1); short protein forms F1751L, F1762L, F1800L.
Identifiers: ClinVar variation 1721344 (VCV001721344.5), dbSNP rs2497682696, ClinGen allele CA381952638.